The following is an entry in ClinVar:

ClinVar aggregate classification (germline): Pathogenic (1 of 4 stars; one submission).

Conditions:
Macular corneal dystrophy (MCD). Also called: GROENOUW TYPE II CORNEAL DYSTROPHY; Macular corneal dystrophy Type I. Identifiers: Orphanet 98969, MedGen C1636149, MONDO:0009020, OMIM 217800.

gnomAD v4.1: 2 of 1,609,982 alleles (0.00012%); highest among the groups gnomAD compares: East Asian, 0.0045%; no homozygotes.

Submission:

Women's Health and Genetics/Laboratory Corporation of America, LabCorp
Classification: Pathogenic for Macular corneal dystrophy. Last evaluated: 2025-07-15. Review status: criteria provided, single submitter. Criteria: LabCorp Variant Classification Summary - May 2015. Collection method: clinical testing. Allele origin: germline.
Comment: Variant summary: CHST6 c.613C>T (p.Arg205Trp) results in a non-conservative amino acid change in the encoded protein sequence. Algorithms developed to predict the effect of missense changes on protein structure and function all suggest that this variant is likely to be disruptive. The variant allele was found at a frequency of 8.3e-06 in 241732 control chromosomes. c.613C>T has been observed in multiple individuals affected with Macular Corneal Dystrophy (examples: Liu_2010, Chae_2016, Li_2021). These data indicate that the variant is very likely to be associated with disease. The following publications have been ascertained in the context of this evaluation (PMID: 20539220, 33816482, 26748743). No submitters have cited clinical-significance assessments for this variant to ClinVar. Based on the evidence outlined above, the variant was classified as pathogenic.

Literature cited by the submitters: PubMed 33816482; PubMed 26748743; PubMed 20539220.

NM_021615.5(CHST6):c.613C>T (p.Arg205Trp)

Gene: CHST6 (carbohydrate sulfotransferase 6; minus strand). Cytogenetic location: 16q23.1.
Variant type: single nucleotide variant.
Coding change: c.613C>T on transcript NM_021615.5 (MANE Select); coding-DNA position 613, C replaced by T.
Protein change: p.Arg205Trp; replaces arginine 205 with tryptophan.
Molecular consequence: missense variant.
Genome position (GRCh38, 1-based): chr16:75,479,216, G>A on the plus strand (C>T on the coding strand, the complement: CHST6 is on the minus strand). VCF-style: chr16-75479216-G-A. GRCh37 (hg19) VCF-style: chr16-75513114-G-A.
Other names: short protein forms R205W.
Identifiers: ClinVar variation 4525911 (VCV004525911.1).